The following is an entry in ClinVar:

NM_000302.4(PLOD1):c.2060G>C (p.Cys687Ser)

Gene: PLOD1 (procollagen-lysine,2-oxoglutarate 5-dioxygenase 1; plus strand). Cytogenetic location: 1p36.22.
Variant type: single nucleotide variant.
Coding change: c.2060G>C on transcript NM_000302.4 (MANE Select); coding-DNA position 2060, G replaced by C.
Protein change: p.Cys687Ser; replaces cysteine 687 with serine.
Molecular consequence: missense variant.
Genome position (GRCh38, 1-based): chr1:11,974,684, G>C. VCF-style: chr1-11974684-G-C. GRCh37 (hg19) VCF-style: chr1-12034741-G-C.
Other names: c.2201G>C, p.Cys734Ser (NM_001316320.2); short protein forms C734S, C687S.
Identifiers: ClinVar variation 1490341 (VCV001490341.6), dbSNP rs2100768765, ClinGen allele CA338453453.
Genomic context (GRCh38, chr1:11,974,684, plus strand): 5'-AAAGGCCACTGATGCTTTCTGTCTCCCAGGGCGGGGGCTGTCGGTTCCTGCGCTACAACT[G>C]TTCCATCCGAGCCCCAAGGAAGGGCTGGACCCTCATGCACCCTGGACGACTCACGCATTA-3'
Protein context (NP_000293.2, residues 677-697): GGGCRFLRYN[Cys687Ser]SIRAPRKGWT

ClinVar aggregate classification (germline): Uncertain significance (1 of 4 stars; one submission).

Conditions:
Ehlers-Danlos syndrome, kyphoscoliotic type 1 (EDSKSCL1). Also called: EHLERS-DANLOS SYNDROME, OCULAR-SCOLIOTIC TYPE; Ehlers-Danlos syndrome, hydroxylysine-deficient; EHLERS-DANLOS SYNDROME, TYPE VIA; PLOD1-Related Kyphoscoliotic Ehlers-Danlos Syndrome. Identifiers: Orphanet 1900, MedGen C0268342, MONDO:0016002, OMIM 225400. Disease mechanism: loss of function.

Submission:

Labcorp Genetics (formerly Invitae), Labcorp
Classification: Uncertain significance for Ehlers-Danlos syndrome, kyphoscoliotic type 1. Last evaluated: 2021-09-15. Review status: criteria provided, single submitter. Criteria: Invitae Variant Classification Sherloc (09022015). Collection method: clinical testing. Allele origin: germline.
Comment: In summary, the available evidence is currently insufficient to determine the role of this variant in disease. Therefore, it has been classified as a Variant of Uncertain Significance. Experimental studies have shown that this missense change affects PLOD1 function (PMID: 10686424). Algorithms developed to predict the effect of missense changes on protein structure and function are either unavailable or do not agree on the potential impact of this missense change (SIFT: "Deleterious"; PolyPhen-2: "Probably Damaging"; Align-GVGD: "Class C0"). This variant has not been reported in the literature in individuals affected with PLOD1-related conditions. This variant is not present in population databases (ExAC no frequency). This sequence change replaces cysteine with serine at codon 687 of the PLOD1 protein (p.Cys687Ser). The cysteine residue is highly conserved and there is a moderate physicochemical difference between cysteine and serine.

Literature cited by the submitters: PubMed 10686424.